The following is an entry in ClinVar:

NM_001927.4(DES):c.1172T>C (p.Leu391Pro)

Gene: DES (desmin; plus strand). Cytogenetic location: 2q35.
Variant type: single nucleotide variant.
Coding change: c.1172T>C on transcript NM_001927.4 (MANE Select); coding-DNA position 1172, T replaced by C.
Protein change: p.Leu391Pro; replaces leucine 391 with proline.
Molecular consequence: missense variant.
Genome position (GRCh38, 1-based): chr2:219,421,488, T>C. VCF-style: chr2-219421488-T-C. GRCh37 (hg19) VCF-style: chr2-220286210-T-C.
Other names: c.1169T>C, p.Leu390Pro (NM_001382708.1); c.740T>C, p.Leu247Pro (NM_001382709.1); c.1103T>C, p.Leu368Pro (NM_001382710.1); c.1151T>C, p.Leu384Pro (NM_001382711.1); c.1172T>C, p.Leu391Pro (NM_001382712.1); c.902T>C, p.Leu301Pro (NM_001382713.1); c.1172T>C (NM_001927.3); short protein forms L247P, L301P, L368P, L384P, L390P, L391P.
Identifiers: ClinVar variation 1010171 (VCV001010171.14), dbSNP rs1954443135, ClinGen allele CA350694771.

ClinVar aggregate classification (germline): Uncertain significance. Review status: criteria provided, multiple submitters, no conflicts (2 of 4 stars). 2 submissions from 2 submitters: Uncertain significance (2). Last evaluated 2020-01-31.

Conditions:
Desmin-related myofibrillar myopathy (MFM1). Also called: Desminopathy; Desmin related myopathy (former name); Desmin storage myopathy (former name); MYOFIBRILLAR MYOPATHY WITH ARRHYTHMOGENIC RIGHT VENTRICULAR CARDIOMYOPATHY; DESMIN-RELATED MYOPATHY WITH ARRHYTHMOGENIC RIGHT VENTRICULAR CARDIOMYOPATHY; Myofibrillar myopathy 1. Identifiers: Orphanet 363543, Orphanet 98909, MedGen C1832370, MONDO:0011076, OMIM 601419.

Submissions (2):

Revvity Omics, Revvity
Classification: Uncertain significance. Last evaluated: 2020-01-31. Review status: criteria provided, single submitter. Criteria: ACMG Guidelines, 2015. Collection method: clinical testing. Allele origin: germline.

Labcorp Genetics (formerly Invitae), Labcorp
Classification: Uncertain significance for Desmin-related myofibrillar myopathy. Last evaluated: 2020-01-13. Review status: criteria provided, single submitter. Criteria: Invitae Variant Classification Sherloc (09022015). Collection method: clinical testing. Allele origin: germline.
Comment: In summary, the available evidence is currently insufficient to determine the role of this variant in disease. Therefore, it has been classified as a Variant of Uncertain Significance. Algorithms developed to predict the effect of missense changes on protein structure and function (SIFT, PolyPhen-2, Align-GVGD) all suggest that this variant is likely to be disruptive, but these predictions have not been confirmed by published functional studies and their clinical significance is uncertain. This variant has not been reported in the literature in individuals with DES-related conditions. This variant is not present in population databases (ExAC no frequency). This sequence change replaces leucine with proline at codon 391 of the DES protein (p.Leu391Pro). The leucine residue is highly conserved and there is a moderate physicochemical difference between leucine and proline.